The following is an entry in ClinVar:

ClinVar aggregate classification (germline): Pathogenic (1 of 4 stars; one submission).

Submission:

Quest Diagnostics Nichols Institute San Juan Capistrano
Classification: Pathogenic. Last evaluated: 2022-07-05. Review status: criteria provided, single submitter. Criteria: ACMG/ClinGen CNV Guidelines, 2019. Collection method: clinical testing. Allele origin: unknown.
Comment: This copy number loss is associated with the proximal (LCR22 A-D) 22q11.2 deletion syndrome, a.k.a. Velocardiofacial syndrome (VCFS) or DiGeorge syndrome (DGS) (OMIM 192430; OMIM 188400). Haploinsufficiency of the TBX1 gene in particular is responsible for most of the clinical features. See GeneReviews for additional information and references.

GRCh37/hg19 22q11.21(chr22:18644543-21800797)x1

Genes: THAP7 (THAP domain containing 7; minus strand), TMEM191B (transmembrane protein 191B; plus strand), USP41 (ubiquitin specific peptidase 41; minus strand), TRMT2A (tRNA methyltransferase 2 homolog A; minus strand), ZDHHC8 (zDHHC palmitoyltransferase 8; plus strand) and 46 more. Cytogenetic location: 22q11.21.
Variant type: copy number loss.
Change: copy number 1 (one copy instead of two) of chr22:18,644,543-21,800,797 (3.16 Mb, GRCh37 coordinates, 1-based), cytogenetic band 22q11.21.
Identifiers: ClinVar variation 1808642 (VCV001808642.2).